The following is an entry in ClinVar:

ClinVar aggregate classification (germline): Uncertain significance (1 of 4 stars; one submission).

Conditions:
Emery-Dreifuss muscular dystrophy 5, autosomal dominant (EDMD5). Also called: EMERY-DREIFUSS MUSCULAR DYSTROPHY 5. Identifiers: Orphanet 261, MedGen C2751805, MONDO:0013072, OMIM 612999.

Allele frequency attached by ClinVar (database versions not stated): gnomAD exomes below 0.00001; TOPMed below 0.00001.
gnomAD v4.1: 1 of 1,614,066 alleles (0.000062%); highest among the groups gnomAD compares: African/African-American, 0.0013%; no homozygotes.

Submission:

Labcorp Genetics (formerly Invitae), Labcorp
Classification: Uncertain significance for Emery-Dreifuss muscular dystrophy 5, autosomal dominant. Last evaluated: 2022-07-03. Review status: criteria provided, single submitter. Criteria: Invitae Variant Classification Sherloc (09022015). Collection method: clinical testing. Allele origin: germline.
Comment: Algorithms developed to predict the effect of missense changes on protein structure and function (SIFT, PolyPhen-2, Align-GVGD) all suggest that this variant is likely to be tolerated. In summary, the available evidence is currently insufficient to determine the role of this variant in disease. Therefore, it has been classified as a Variant of Uncertain Significance. This variant has not been reported in the literature in individuals affected with SYNE2-related conditions. This variant is not present in population databases (gnomAD no frequency). This sequence change replaces isoleucine, which is neutral and non-polar, with threonine, which is neutral and polar, at codon 4005 of the SYNE2 protein (p.Ile4005Thr).

NM_182914.3(SYNE2):c.12014T>C (p.Ile4005Thr)

Gene: SYNE2 (spectrin repeat containing nuclear envelope protein 2; plus strand). Cytogenetic location: 14q23.2.
Variant type: single nucleotide variant.
Coding change: c.12014T>C on transcript NM_182914.3 (MANE Select); coding-DNA position 12014, T replaced by C.
Protein change: p.Ile4005Thr; replaces isoleucine 4005 with threonine.
Molecular consequence: missense variant.
Genome position (GRCh38, 1-based): chr14:64,093,386, T>C. VCF-style: chr14-64093386-T-C. GRCh37 (hg19) VCF-style: chr14-64560104-T-C.
Other names: c.12014T>C, p.Ile4005Thr (NM_015180.6); short protein forms I4005T.
Identifiers: ClinVar variation 1956375 (VCV001956375.5), dbSNP rs935741770, ClinGen allele CA261817084.